The following is an entry in ClinVar:

ClinVar aggregate classification (germline): Benign/Likely benign. Review status: criteria provided, multiple submitters, no conflicts (2 of 4 stars). 5 submissions from 5 submitters: Benign (1); Likely benign (4). Last evaluated 2026-01-28.

Conditions:
Hereditary cancer-predisposing syndrome. Also called: Tumor predisposition; Neoplastic Syndromes, Hereditary; Hereditary neoplastic syndrome; Hereditary Cancer Syndrome. Identifiers: Orphanet 140162, MedGen C0027672, MeSH D009386, MONDO:0015356.
Breast-ovarian cancer, familial, susceptibility to, 4. Identifiers: Orphanet 145, MedGen C3280345, MONDO:0013669, OMIM 614291.

Allele frequency attached by ClinVar (database versions not stated): TOPMed 0.00005.
gnomAD v4.1: 7 of 1,614,016 alleles (0.00043%); highest among the groups gnomAD compares: African/African-American, 0.008%; no homozygotes.

Submissions (5):

Labcorp Genetics (formerly Invitae), Labcorp
Classification: Likely benign for Breast-ovarian cancer, familial, susceptibility to, 4. Last evaluated: 2026-01-28. Review status: criteria provided, single submitter. Criteria: Invitae Variant Classification Sherloc (09022015). Collection method: clinical testing. Allele origin: germline.

Myriad Genetics, Inc.
Classification: Benign for Breast-ovarian cancer, familial, susceptibility to, 4. Last evaluated: 2025-02-25. Review status: criteria provided, single submitter. Criteria: Myriad Autosomal Dominant, Autosomal Recessive and X-Linked Classification Criteria (2023). Collection method: clinical testing. Allele origin: unknown.
Comment: This variant is considered benign. This variant is a silent/synonymous amino acid change and it is not expected to impact splicing.

Women's Health and Genetics/Laboratory Corporation of America, LabCorp
Classification: Likely benign. Last evaluated: 2023-08-24. Review status: criteria provided, single submitter. Criteria: LabCorp Variant Classification Summary - May 2015. Collection method: clinical testing. Allele origin: germline.

Ambry Genetics
Classification: Likely benign for Hereditary cancer-predisposing syndrome. Last evaluated: 2016-05-03. Review status: criteria provided, single submitter. Criteria: Ambry Variant Classification Scheme 2023. Collection method: clinical testing. Allele origin: germline.

Color Diagnostics, LLC DBA Color Health
Classification: Likely benign for Hereditary cancer-predisposing syndrome. Last evaluated: 2015-09-30. Review status: criteria provided, single submitter. Criteria: ACMG Guidelines, 2015. Collection method: clinical testing. Allele origin: germline.

NM_002878.4(RAD51D):c.879G>T (p.Ala293=)

Genes: RAD51L3-RFFL (RAD51L3-RFFL readthrough; minus strand), RAD51D (RAD51 paralog D; minus strand). Cytogenetic location: 17q12.
Variant type: single nucleotide variant.
Coding change: c.879G>T on transcript NM_002878.4 (MANE Select); coding-DNA position 879, G replaced by T.
Protein change: p.Ala293=; no amino-acid change (alanine 293 retained).
Molecular consequence: synonymous variant. On other transcripts: non-coding transcript variant (3).
Genome position (GRCh38, 1-based): chr17:35,101,225, C>A on the plus strand (G>T on the coding strand, the complement: RAD51D is on the minus strand). VCF-style: chr17-35101225-C-A. GRCh37 (hg19) VCF-style: chr17-33428244-C-A.
Other names: c.939G>T, p.Ala313= (NM_001142571.2); c.543G>T, p.Ala181= (NM_133629.3).
Identifiers: ClinVar variation 416197 (VCV000416197.20), dbSNP rs368209468, ClinGen allele CA8499330.